The following is an entry in ClinVar:

ClinVar aggregate classification (germline): Likely benign (1 of 4 stars; one submission).

Allele frequency attached by ClinVar (database versions not stated): gnomAD exomes below 0.00001; TOPMed below 0.00001.
gnomAD v4.1: 2 of 1,614,100 alleles (0.00012%); highest among the groups gnomAD compares: Non-Finnish European, 0.00017%; no homozygotes.

Submission:

CeGaT Center for Human Genetics Tuebingen
Classification: Likely benign. Last evaluated: 2023-11-01. Review status: criteria provided, single submitter. Criteria: CeGaT Center For Human Genetics Tuebingen Variant Classification Criteria Version 2. Collection method: clinical testing. Allele origin: germline. Affected: yes. Observed: 1 variant allele.
Comment: DNAJC6: PM2:Supporting, BP4, BP7

NM_001256864.2(DNAJC6):c.2886A>G (p.Glu962=)

Gene: DNAJC6 (DnaJ heat shock protein family (Hsp40) member C6; plus strand). Cytogenetic location: 1p31.3.
Variant type: single nucleotide variant.
Coding change: c.2886A>G on transcript NM_001256864.2 (MANE Select); coding-DNA position 2886, A replaced by G.
Protein change: p.Glu962=; no amino-acid change (glutamic acid 962 retained).
Molecular consequence: synonymous variant.
Genome position (GRCh38, 1-based): chr1:65,412,998, A>G. VCF-style: chr1-65412998-A-G. GRCh37 (hg19) VCF-style: chr1-65878681-A-G.
Other names: c.2676A>G, p.Glu892= (NM_001256865.2); c.2715A>G, p.Glu905= (NM_014787.4).
Identifiers: ClinVar variation 2672338 (VCV002672338.23), dbSNP rs1646142616, ClinGen allele CA418259242.